The following is an entry in ClinVar:

NM_022455.5(NSD1):c.4918del (p.Cys1640fs)

Gene: NSD1 (nuclear receptor binding SET domain protein 1; plus strand). Cytogenetic location: 5q35.3.
Variant type: Deletion.
Coding change: c.4918del on transcript NM_022455.5 (MANE Select); coding-DNA position 4918, one base deleted (T; older notation c.4918delT).
Protein change: p.Cys1640fs; shifts the reading frame from cysteine 1640.
Molecular consequence: frameshift variant.
Genome position (GRCh38, 1-based): chr5:177,257,103, T deleted. VCF-style (leftmost placement, unchanged base first): chr5-177257102-CT-C. GRCh37 (hg19) VCF-style: chr5-176684103-CT-C.
Other names: c.4045del, p.Cys1349fs (NM_001365684.2, NM_001409308.1, NM_001409309.1 and 1 more transcripts); c.4918del, p.Cys1640fs (NM_001409301.1, NM_001409302.1, NM_001409303.1); c.4498del, p.Cys1500fs (NM_001409304.1); c.4165del, p.Cys1389fs (NM_001409305.1); c.4156del, p.Cys1386fs (NM_001409306.1, NM_001409307.1); short protein forms C1640fs, C1349fs, C1389fs, C1500fs, C1386fs.
Identifiers: ClinVar variation 3693729 (VCV003693729.2).

ClinVar aggregate classification (germline): Pathogenic (1 of 4 stars; one submission).

Submission:

Labcorp Genetics (formerly Invitae), Labcorp
Classification: Pathogenic. Last evaluated: 2023-03-11. Review status: criteria provided, single submitter. Criteria: Invitae Variant Classification Sherloc (09022015). Collection method: clinical testing. Allele origin: germline.
Comment: For these reasons, this variant has been classified as Pathogenic. This variant has not been reported in the literature in individuals affected with NSD1-related conditions. This variant is not present in population databases (gnomAD no frequency). This sequence change creates a premature translational stop signal (p.Cys1640Valfs*2) in the NSD1 gene. It is expected to result in an absent or disrupted protein product. Loss-of-function variants in NSD1 are known to be pathogenic (PMID: 12464997, 14571271, 15942875, 16247291).

Literature cited by the submitters: PubMed 12464997; PubMed 14571271; PubMed 15942875; PubMed 16247291.